The following is an entry in ClinVar:

NM_002180.3(IGHMBP2):c.1398del (p.Val467fs)

Gene: IGHMBP2 (immunoglobulin mu DNA binding protein 2; plus strand). Cytogenetic location: 11q13.3.
Variant type: Deletion.
Coding change: c.1398del on transcript NM_002180.3 (MANE Select); coding-DNA position 1398, one base deleted (C; older notation c.1398delC).
Protein change: p.Val467fs; shifts the reading frame from valine 467.
Molecular consequence: frameshift variant.
Genome position (GRCh38, 1-based): chr11:68,933,461, C deleted; the last of 2 consecutive C bases (chr11:68,933,460-68,933,461); deleting either gives the same sequence. VCF-style (leftmost placement, unchanged base first): chr11-68933459-TC-T. GRCh37 (hg19) VCF-style: chr11-68700927-TC-T.
Other names: short protein forms V467fs.
Identifiers: ClinVar variation 2937112 (VCV002937112.4), dbSNP rs2496054182, ClinGen allele CA2614749248.

ClinVar aggregate classification (germline): Pathogenic/Likely pathogenic. Review status: criteria provided, multiple submitters, no conflicts (2 of 4 stars). 2 submissions from 2 submitters: Pathogenic (1); Likely pathogenic (1). Last evaluated 2024-04-25.

Conditions:
Autosomal recessive distal spinal muscular atrophy 1. Also called: NEURONOPATHY, DISTAL HEREDITARY MOTOR, HARDING TYPE VI; NEUROPATHY, DISTAL HEREDITARY MOTOR, AUTOSOMAL RECESSIVE 1; HMN VI; NEURONOPATHY, SEVERE INFANTILE AXONAL, WITH RESPIRATORY FAILURE; SEVERE INFANTILE AXONAL NEUROPATHY WITH RESPIRATORY FAILURE; SPINAL MUSCULAR ATROPHY, DIAPHRAGMATIC. Identifiers: Orphanet 98920, MedGen C1858517, MONDO:0011436, OMIM 604320.
Charcot-Marie-Tooth disease axonal type 2S. Also called: CHARCOT-MARIE-TOOTH DISEASE, AXONAL, AUTOSOMAL RECESSIVE, TYPE 2S; CHARCOT-MARIE-TOOTH NEUROPATHY, TYPE 2S. Identifiers: Orphanet 443073, MedGen C4015349, MONDO:0014511, OMIM 616155.

Submissions (2):

Fulgent Genetics
Classification: Likely pathogenic for Autosomal recessive distal spinal muscular atrophy 1; Charcot-Marie-Tooth disease axonal type 2S. Last evaluated: 2024-04-25. Review status: criteria provided, single submitter. Criteria: ACMG Guidelines, 2015. Collection method: clinical testing. Allele origin: germline.

Labcorp Genetics (formerly Invitae), Labcorp
Classification: Pathogenic for Autosomal recessive distal spinal muscular atrophy 1; Charcot-Marie-Tooth disease axonal type 2S. Last evaluated: 2024-01-18. Review status: criteria provided, single submitter. Criteria: Invitae Variant Classification Sherloc (09022015). Collection method: clinical testing. Allele origin: germline.
Comment: This sequence change creates a premature translational stop signal (p.Val467Trpfs*6) in the IGHMBP2 gene. It is expected to result in an absent or disrupted protein product. Loss-of-function variants in IGHMBP2 are known to be pathogenic (PMID: 14681881, 25439726, 25568292). This variant is not present in population databases (gnomAD no frequency). This variant has not been reported in the literature in individuals affected with IGHMBP2-related conditions. For these reasons, this variant has been classified as Pathogenic.

Literature cited by the submitters: PubMed 14681881 (cited by Labcorp Genetics (formerly Invitae), Labcorp); PubMed 25439726 (cited by Labcorp Genetics (formerly Invitae), Labcorp); PubMed 25568292 (cited by Labcorp Genetics (formerly Invitae), Labcorp).